The following is an entry in ClinVar:

NM_000256.3(MYBPC3):c.1446G>A (p.Ala482=)

Gene: MYBPC3 (myosin binding protein C3; minus strand). Cytogenetic location: 11p11.2.
Variant type: single nucleotide variant.
Coding change: c.1446G>A on transcript NM_000256.3 (MANE Select); coding-DNA position 1446, G replaced by A.
Protein change: p.Ala482=; no amino-acid change (alanine 482 retained).
Molecular consequence: synonymous variant.
Genome position (GRCh38, 1-based): chr11:47,342,841, C>T on the plus strand (G>A on the coding strand, the complement: MYBPC3 is on the minus strand). VCF-style: chr11-47342841-C-T. GRCh37 (hg19) VCF-style: chr11-47364392-C-T.
Identifiers: ClinVar variation 920379 (VCV000920379.8), dbSNP rs747627648, ClinGen allele CA474429412.
Genomic context (GRCh38, chr11:47,342,841, plus strand): 5'-TTCTGGGCAGATGCCCCCAACACCCATGCCCCGTGCTTCTGGAACTCACCATTTGACTTG[C>T]GCCCCCTCCTCCGATACTTCACACTCAAACTCCACCCGCTGCCCCACCATCACCAGCTGG-3'
Protein context (NP_000247.2, residues 472-492): EFECEVSEEG[Ala482=]QVKWLKDGVE

ClinVar aggregate classification (germline): Likely benign. Review status: criteria provided, multiple submitters, no conflicts (2 of 4 stars). 4 submissions from 4 submitters: Likely benign (4). Last evaluated 2023-06-26.

Conditions:
Cardiovascular phenotype. Identifiers: MedGen CN230736.
Cardiomyopathy (CMYO). Also called: Cardiomyopathies. Identifiers: Orphanet 167848, MedGen C0878544, MONDO:0004994, HP:0001638. Inheritance: Various modes of inheritance.
Hypertrophic cardiomyopathy. Also called: HYPERTROPHIC MYOCARDIOPATHY. Identifiers: Orphanet 217569, MedGen C0007194, MeSH D002312, MONDO:0005045, HP:0001639.

gnomAD v4.1: 5 of 1,612,196 alleles (0.00031%); highest among the groups gnomAD compares: Non-Finnish European, 0.00042%; no homozygotes.

Submissions (4):

All of Us Research Program, National Institutes of Health
Classification: Likely benign for Hypertrophic cardiomyopathy. Last evaluated: 2023-06-26. Review status: criteria provided, single submitter. Criteria: ACMG Guidelines, 2015. Collection method: clinical testing. Allele origin: germline. Inheritance: Autosomal dominant inheritance. Observed: 1 variant allele, 1 heterozygote.
Comment: This study involves interpretation of variants in research participants for the purpose of population health screening. Participant phenotype was not available at the time of variant classification. Additional details can be found in publication PMID: 35346344, PMCID: PMC8962531

Labcorp Genetics (formerly Invitae), Labcorp
Classification: Likely benign for Hypertrophic cardiomyopathy. Last evaluated: 2023-05-25. Review status: criteria provided, single submitter. Criteria: Invitae Variant Classification Sherloc (09022015). Collection method: clinical testing. Allele origin: germline.

Ambry Genetics
Classification: Likely benign for Cardiovascular phenotype. Last evaluated: 2020-10-23. Review status: criteria provided, single submitter. Criteria: Ambry Variant Classification Scheme 2023. Collection method: clinical testing. Allele origin: germline.

Color Diagnostics, LLC DBA Color Health
Classification: Likely benign for Cardiomyopathy. Last evaluated: 2019-05-16. Review status: criteria provided, single submitter. Criteria: ACMG Guidelines, 2015. Collection method: clinical testing. Allele origin: germline.